The following is an entry in ClinVar:

ClinVar aggregate classification (germline): Likely benign (1 of 4 stars; one submission).

Allele frequency attached by ClinVar (database versions not stated): gnomAD 0.00007; gnomAD exomes 0.00008; TOPMed 0.00008; ESP Exome Variant Server 0.00015; 1000 Genomes Project 30x 0.00016; ExAC 0.00018; 1000 Genomes Project 0.00020.
gnomAD v4.1: 132 of 1,614,160 alleles (0.0082%); highest among the groups gnomAD compares: Admixed American, 0.027%; no homozygotes.

Submission:

CeGaT Center for Human Genetics Tuebingen
Classification: Likely benign. Last evaluated: 2022-07-01. Review status: criteria provided, single submitter. Criteria: CeGaT Center For Human Genetics Tuebingen Variant Classification Criteria Version 2. Collection method: clinical testing. Allele origin: germline. Affected: yes. Observed: 1 variant allele.
Comment: KCNH6: BP4, BP7

NM_001278919.2(KCNH6):c.117C>T (p.Cys39=)

Gene: KCNH6 (potassium voltage-gated channel subfamily H member 6; plus strand). Cytogenetic location: 17q23.3.
Variant type: single nucleotide variant.
Coding change: c.117C>T on transcript NM_001278919.2 (MANE Select); coding-DNA position 117, C replaced by T.
Protein change: p.Cys39=; no amino-acid change (cysteine 39 retained).
Molecular consequence: synonymous variant. On other transcripts: 5 prime UTR variant (1).
Genome position (GRCh38, 1-based): chr17:63,524,179, C>T. VCF-style: chr17-63524179-C-T. GRCh37 (hg19) VCF-style: chr17-61601540-C-T.
Other names: c.-120C>T (NM_001278920.2); c.117C>T, p.Cys39= (NM_030779.4, NM_173092.4).
Identifiers: ClinVar variation 2648078 (VCV002648078.24), dbSNP rs140752880, ClinGen allele CA8700770.